The following is an entry in ClinVar:

ClinVar aggregate classification (germline): Conflicting classifications of pathogenicity. Review status: criteria provided, conflicting classifications (1 of 4 stars). 2 submissions from 2 submitters: Uncertain significance (1); Likely benign (1). Last evaluated 2025-05-16.

Conditions:
Hereditary cancer-predisposing syndrome. Also called: Hereditary Cancer Syndrome; Tumor predisposition; Neoplastic Syndromes, Hereditary; Hereditary neoplastic syndrome. Identifiers: Orphanet 140162, MedGen C0027672, MeSH D009386, MONDO:0015356.
Hereditary breast ovarian cancer syndrome. Also called: Hereditary breast and ovarian cancer syndrome; Hereditary breast and/or ovarian cancer syndrome; Hereditary breast and ovarian cancer syndrome (HBOC); Breast and ovarian cancer; Hereditary breast and ovarian cancer; BRCA1- and BRCA2-Associated Hereditary Breast and Ovarian Cancer. Identifiers: Orphanet 145, MedGen C0677776, MeSH D061325, MONDO:0003582. Disease mechanism: loss of function.

Submissions (2):

Ambry Genetics
Classification: Likely benign for Hereditary cancer-predisposing syndrome. Last evaluated: 2025-05-16. Review status: criteria provided, single submitter. Criteria: Ambry Variant Classification Scheme 2023. Collection method: clinical testing. Allele origin: germline.

Labcorp Genetics (formerly Invitae), Labcorp
Classification: Uncertain significance for Hereditary breast ovarian cancer syndrome. Last evaluated: 2019-05-14. Review status: criteria provided, single submitter. Criteria: Invitae Variant Classification Sherloc (09022015). Collection method: clinical testing. Allele origin: germline.
Comment: In summary, the available evidence is currently insufficient to determine the role of this variant in disease. Therefore, it has been classified as a Variant of Uncertain Significance. Algorithms developed to predict the effect of missense changes on protein structure and function are either unavailable or do not agree on the potential impact of this missense change (SIFT: "Deleterious"; PolyPhen-2: "Possibly Damaging"; Align-GVGD: "Class C0"). This variant has not been reported in the literature in individuals with BRCA2-related conditions. This variant is not present in population databases (ExAC no frequency). This sequence change replaces lysine with glutamine at codon 2849 of the BRCA2 protein (p.Lys2849Gln). The lysine residue is highly conserved and there is a small physicochemical difference between lysine and glutamine.

NM_000059.4(BRCA2):c.8545A>C (p.Lys2849Gln)

Gene: BRCA2 (BRCA2 DNA repair associated; plus strand). Cytogenetic location: 13q13.1.
Variant type: single nucleotide variant.
Coding change: c.8545A>C on transcript NM_000059.4 (MANE Select); coding-DNA position 8545, A replaced by C.
Protein change: p.Lys2849Gln; replaces lysine 2849 with glutamine.
Molecular consequence: missense variant.
Genome position (GRCh38, 1-based): chr13:32,371,013, A>C. VCF-style: chr13-32371013-A-C. GRCh37 (hg19) VCF-style: chr13-32945150-A-C.
Other names: short protein forms K2849Q.
Identifiers: ClinVar variation 863045 (VCV000863045.12), dbSNP rs80359109, ClinGen allele CA387752766.